The following is an entry in ClinVar:

ClinVar aggregate classification (germline): Uncertain significance (1 of 4 stars; one submission).

Conditions:
Fetal akinesia deformation sequence 1 (FADS1). Also called: Fetal akinesia sequence; Pena-Shokeir syndrome type I. Identifiers: Orphanet 994, MedGen C1276035, MONDO:0100101, OMIM 208150, HP:0001989.
Congenital myasthenic syndrome 9. Also called: Myasthenic syndrome, congenital, 9, associated with acetylcholine receptor deficiency. Identifiers: Orphanet 590, MedGen C4225368, MONDO:0014587, OMIM 616325.

Allele frequency attached by ClinVar (database versions not stated): gnomAD exomes below 0.00001 and 0.00001; TOPMed 0.00001.
gnomAD v4.1: 15 of 1,613,792 alleles (0.00093%); highest among the groups gnomAD compares: Non-Finnish European, 0.0013%; no homozygotes.

Submission:

Labcorp Genetics (formerly Invitae), Labcorp
Classification: Uncertain significance for Congenital myasthenic syndrome 9; Fetal akinesia deformation sequence 1. Last evaluated: 2024-11-04. Review status: criteria provided, single submitter. Criteria: Invitae Variant Classification Sherloc (09022015). Collection method: clinical testing. Allele origin: germline.
Comment: This sequence change replaces threonine, which is neutral and polar, with isoleucine, which is neutral and non-polar, at codon 300 of the MUSK protein (p.Thr300Ile). This variant is not present in population databases (gnomAD no frequency). This variant has not been reported in the literature in individuals affected with MUSK-related conditions. ClinVar contains an entry for this variant (Variation ID: 1043800). Invitae Evidence Modeling of protein sequence and biophysical properties (such as structural, functional, and spatial information, amino acid conservation, physicochemical variation, residue mobility, and thermodynamic stability) indicates that this missense variant is not expected to disrupt MUSK protein function with a negative predictive value of 80%. In summary, the available evidence is currently insufficient to determine the role of this variant in disease. Therefore, it has been classified as a Variant of Uncertain Significance.

NM_005592.4(MUSK):c.899C>T (p.Thr300Ile)

Gene: MUSK (muscle associated receptor tyrosine kinase; plus strand). Cytogenetic location: 9q31.3.
Variant type: single nucleotide variant.
Coding change: c.899C>T on transcript NM_005592.4 (MANE Select); coding-DNA position 899, C replaced by T.
Protein change: p.Thr300Ile; replaces threonine 300 with isoleucine.
Molecular consequence: missense variant. On other transcripts: 5 prime UTR variant (1).
Genome position (GRCh38, 1-based): chr9:110,747,786, C>T. VCF-style: chr9-110747786-C-T. GRCh37 (hg19) VCF-style: chr9-113510066-C-T.
Other names: c.929C>T, p.Thr310Ile (NM_001166280.2); c.899C>T, p.Thr300Ile (NM_001166281.2); c.-338C>T (NM_001369398.1); short protein forms T310I, T300I.
Identifiers: ClinVar variation 1043800 (VCV001043800.8), dbSNP rs1554749322, ClinGen allele CA374668450.